The following is an entry in ClinVar:

NM_006885.4(ZFHX3):c.11062C>T (p.Pro3688Ser)

Genes: ZFHX3 (zinc finger homeobox 3; minus strand), ZFHX3-AS1 (ZFHX3 antisense RNA 1; plus strand). Cytogenetic location: 16q22.2.
Variant type: single nucleotide variant.
Coding change: c.11062C>T on transcript NM_006885.4 (MANE Select); coding-DNA position 11062, C replaced by T.
Protein change: p.Pro3688Ser; replaces proline 3688 with serine.
Molecular consequence: missense variant. On other transcripts: non-coding transcript variant (1).
Genome position (GRCh38, 1-based): chr16:72,787,214, G>A on the plus strand (C>T on the coding strand, the complement: ZFHX3 is on the minus strand). VCF-style: chr16-72787214-G-A. GRCh37 (hg19) VCF-style: chr16-72821113-G-A.
Other names: c.8320C>T, p.Pro2774Ser (NM_001164766.2); c.11062C>T, p.Pro3688Ser (NM_001386735.1); short protein forms P2774S, P3688S.
Identifiers: ClinVar variation 4975906 (VCV004975906.1).

ClinVar aggregate classification (germline): Uncertain significance (1 of 4 stars; one submission).

gnomAD v4.1: 2 of 1,613,718 alleles (0.00012%); highest among the groups gnomAD compares: African/African-American, 0.0013%; no homozygotes.

Submission:

GeneDx
Classification: Uncertain significance. Last evaluated: 2026-02-03. Review status: criteria provided, single submitter. Criteria: GeneDx Variant Classification Process June 2021. Collection method: clinical testing. Allele origin: germline.
Comment: Not observed at significant frequency in large population cohorts (gnomAD); In silico analysis suggests that this missense variant does not alter protein structure/function; Has not been previously published as pathogenic or benign to our knowledge